The following is an entry in ClinVar:

ClinVar aggregate classification (germline): Uncertain significance (1 of 4 stars; one submission).

Conditions:
Familial thoracic aortic aneurysm and aortic dissection (TAAD). Also called: Thoracic aortic aneurysms and dissections. Identifiers: Orphanet 91387, MedGen C4707243, MONDO:0019625.

Submission:

Ambry Genetics
Classification: Uncertain significance for Familial thoracic aortic aneurysm and aortic dissection. Last evaluated: 2017-12-12. Review status: criteria provided, single submitter. Criteria: Ambry Variant Classification Scheme 2023. Collection method: clinical testing. Allele origin: germline.
Comment: The p.T1421I variant (also known as c.4262C>T), located in coding exon 30 of the MYH11 gene, results from a C to T substitution at nucleotide position 4262. The threonine at codon 1421 is replaced by isoleucine, an amino acid with similar properties. This amino acid position is highly conserved in available vertebrate species. In addition, this alteration is predicted to be deleterious by in silico analysis. Since supporting evidence is limited at this time, the clinical significance of this alteration remains unclear.

NM_002474.3(MYH11):c.4262C>T (p.Thr1421Ile)

Genes: MYH11 (myosin heavy chain 11; minus strand), NDE1 (nudE neurodevelopment protein 1; plus strand). Cytogenetic location: 16p13.11.
Variant type: single nucleotide variant.
Coding change: c.4262C>T on transcript NM_002474.3 (MANE Select); coding-DNA position 4262, C replaced by T.
Protein change: p.Thr1421Ile; replaces threonine 1421 with isoleucine.
Molecular consequence: missense variant. On other transcripts: 3 prime UTR variant (2).
Genome position (GRCh38, 1-based): chr16:15,724,264, G>A on the plus strand (C>T on the coding strand, the complement: MYH11 is on the minus strand). VCF-style: chr16-15724264-G-A. GRCh37 (hg19) VCF-style: chr16-15818121-G-A.
Other names: c.4283C>T, p.Thr1428Ile (NM_001040113.2, NM_001040114.2); c.4262C>T, p.Thr1421Ile (NM_022844.3); c.*13G>A (NM_001143979.2, NM_017668.3); short protein forms T1421I, T1428I.
Identifiers: ClinVar variation 519966 (VCV000519966.5), dbSNP rs146817436, ClinGen allele CA394857230.